The following is an entry in ClinVar:

NM_003919.3(SGCE):c.892G>A (p.Gly298Ser)

Genes: CASD1 (CAS1 domain sialic acid O acetyltransferase 1; plus strand), SGCE (sarcoglycan epsilon; minus strand). Cytogenetic location: 7q21.3.
Variant type: single nucleotide variant.
Coding change: c.892G>A on transcript NM_003919.3 (MANE Select); coding-DNA position 892, G replaced by A.
Protein change: p.Gly298Ser; replaces glycine 298 with serine.
Molecular consequence: missense variant.
Genome position (GRCh38, 1-based): chr7:94,600,791, C>T on the plus strand (G>A on the coding strand, the complement: SGCE is on the minus strand). VCF-style: chr7-94600791-C-T. GRCh37 (hg19) VCF-style: chr7-94230103-C-T.
Other names: c.892G>A, p.Gly298Ser (NM_001099400.2, NM_001099401.2, NM_001346717.2); c.769G>A, p.Gly257Ser (NM_001301139.2, NM_001362809.2); c.1000G>A, p.Gly334Ser (NM_001346713.2, NM_001346715.2); c.805G>A, p.Gly269Ser (NM_001346719.2, NM_001362807.2); c.619G>A, p.Gly207Ser (NM_001346720.2, NM_001362808.2); short protein forms G207S, G257S, G298S, G334S, G269S.
Identifiers: ClinVar variation 655430 (VCV000655430.16), dbSNP rs757835571, ClinGen allele CA4348693.

ClinVar aggregate classification (germline): Uncertain significance. Review status: criteria provided, multiple submitters, no conflicts (2 of 4 stars). 5 submissions from 5 submitters: Uncertain significance (5). Last evaluated 2025-12-16.

Conditions:
Inborn genetic diseases. Identifiers: MedGen C0950123, MeSH D030342.
Myoclonic dystonia 11 (DYT11). Also called: Myoclonic dystonia; SGCE Myoclonus-Dystonia; Myoclonus-Dystonia; DYT-SGCE; Dystonia 11; Dystonia, alcohol responsive. Identifiers: Orphanet 36899, MedGen C1834570, MONDO:0008044, OMIM 159900.
SGCE-related disorder. Also called: SGCE-related condition.

Allele frequency attached by ClinVar (database versions not stated): gnomAD exomes below 0.00001 and 0.00001; ExAC 0.00001; gnomAD 0.00001; TOPMed 0.00004.
gnomAD v4.1: 12 of 1,613,322 alleles (0.00074%); highest among the groups gnomAD compares: Middle Eastern, 0.017%; no homozygotes.

Submissions (5):

Labcorp Genetics (formerly Invitae), Labcorp
Classification: Uncertain significance for Myoclonic dystonia 11. Last evaluated: 2025-12-16. Review status: criteria provided, single submitter. Criteria: Invitae Variant Classification Sherloc (09022015). Collection method: clinical testing. Allele origin: germline.
Comment: This sequence change replaces glycine, which is neutral and non-polar, with serine, which is neutral and polar, at codon 298 of the SGCE protein (p.Gly298Ser). This variant is present in population databases (rs757835571, gnomAD 0.0009%). This variant has not been reported in the literature in individuals affected with SGCE-related conditions. ClinVar contains an entry for this variant (Variation ID: 655430). Invitae Evidence Modeling of protein sequence and biophysical properties (such as structural, functional, and spatial information, amino acid conservation, physicochemical variation, residue mobility, and thermodynamic stability) indicates that this missense variant is not expected to disrupt SGCE protein function with a negative predictive value of 80%. In summary, the available evidence is currently insufficient to determine the role of this variant in disease. Therefore, it has been classified as a Variant of Uncertain Significance.

PreventionGenetics, part of Exact Sciences
Classification: Uncertain significance for SGCE-related condition. Last evaluated: 2025-10-21. Review status: criteria provided, single submitter. Criteria: ACMG Guidelines, 2015. Collection method: clinical testing. Allele origin: germline.
Comment: The SGCE c.892G>A variant is predicted to result in the amino acid substitution p.Gly298Ser. To our knowledge, this variant has not been reported in the literature. This variant is reported in 0.00088% of alleles in individuals of European (Non-Finnish) descent in gnomAD. At this time, the clinical significance of this variant is uncertain due to the absence of conclusive functional and genetic evidence.

Ambry Genetics
Classification: Uncertain significance for Inborn genetic diseases. Last evaluated: 2023-11-17. Review status: criteria provided, single submitter. Criteria: Ambry Variant Classification Scheme 2023. Collection method: clinical testing. Allele origin: germline.

Clinical Genetics Laboratory, Skane University Hospital Lund
Classification: Uncertain significance. Last evaluated: 2023-10-16. Review status: criteria provided, single submitter. Criteria: ACMG Guidelines, 2015. Collection method: clinical testing. Allele origin: germline. Affected: yes.

Revvity Omics, Revvity
Classification: Uncertain significance for Myoclonic dystonia 11. Last evaluated: 2021-02-09. Review status: criteria provided, single submitter. Criteria: ACMG Guidelines, 2015. Collection method: clinical testing. Allele origin: germline.